The following is an entry in ClinVar:

NM_000373.4(UMPS):c.*983C>T

Gene: UMPS (uridine monophosphate synthetase; plus strand). Cytogenetic location: 3q21.2.
Variant type: single nucleotide variant.
Coding change: c.*983C>T on transcript NM_000373.4 (MANE Select); 983 bases downstream of the stop codon, C replaced by T.
Molecular consequence: 3 prime UTR variant. On other transcripts: non-coding transcript variant (2).
Genome position (GRCh38, 1-based): chr3:124,745,067, C>T. VCF-style: chr3-124745067-C-T. GRCh37 (hg19) VCF-style: chr3-124463914-C-T.
Identifiers: ClinVar variation 342945 (VCV000342945.5), dbSNP rs11706036, ClinGen allele CA2581959.

ClinVar aggregate classification (germline): Benign (1 of 4 stars; one submission).

Conditions:
Oroticaciduria. Also called: Orotic aciduria. Identifiers: Orphanet 30, MedGen C0268128, HP:0003218.

Allele frequency attached by ClinVar (database versions not stated): gnomAD exomes 0.02133 and 0.02616; gnomAD 0.01142 and 0.01365; TOPMed 0.01396; 1000 Genomes Project 0.02776; ExAC 0.03177; 1000 Genomes Project 30x 0.02764.
gnomAD v4.1: 8,424 of 454,110 alleles (1.9%); highest among the groups gnomAD compares: East Asian, 6.1%; 172 homozygotes.

Submission:

Illumina Laboratory Services, Illumina
Classification: Benign for Hereditary orotic aciduria. Last evaluated: 2018-01-13. Review status: criteria provided, single submitter. Criteria: ICSL Variant Classification Criteria 13 December 2019. Collection method: clinical testing. Allele origin: germline.
Comment: This variant was observed in the ICSL laboratory as part of a predisposition screen in an ostensibly healthy population. It had not been previously curated by ICSL or reported in the Human Gene Mutation Database (HGMD: prior to June 1st, 2018), and was therefore a candidate for classification through an automated scoring system. Utilizing variant allele frequency, disease prevalence and penetrance estimates, and inheritance mode, an automated score was calculated to assess if this variant is too frequent to cause the disease. Based on the score and internal cut-off values, a variant classified as benign is not then subjected to further curation. The score for this variant resulted in a classification of benign for this disease.